The following is an entry in ClinVar:

ClinVar aggregate classification (germline): Uncertain significance. Review status: criteria provided, multiple submitters, no conflicts (2 of 4 stars). 2 submissions from 2 submitters: Uncertain significance (2). Last evaluated 2025-05-05.

Conditions:
Inborn genetic diseases. Identifiers: MedGen C0950123, MeSH D030342.
Acute myeloid leukemia (AML). Also called: Acute myeloid leukemia, adult; AML adult; Acute non-lymphocytic leukemia; Acute granulocytic leukemia; Leukemia, acute myeloid, somatic; Leukemia, acute myelogenous, somatic. Identifiers: Orphanet 519, MedGen C0023467, MeSH D015470, MONDO:0018874, OMIM 601626, HP:0004808. Disease mechanism: Constitutively activated FLT3.

Allele frequency attached by ClinVar (database versions not stated): gnomAD 0.00001.
gnomAD v4.1: 9 of 1,613,404 alleles (0.00056%); highest among the groups gnomAD compares: Non-Finnish European, 0.00076%; no homozygotes.

Submissions (2):

Labcorp Genetics (formerly Invitae), Labcorp
Classification: Uncertain significance for Acute myeloid leukemia. Last evaluated: 2025-05-05. Review status: criteria provided, single submitter. Criteria: Invitae Variant Classification Sherloc (09022015). Collection method: clinical testing. Allele origin: germline.
Comment: This sequence change replaces lysine, which is basic and polar, with glutamine, which is neutral and polar, at codon 298 of the CEBPA protein (p.Lys298Gln). This variant is present in population databases (no rsID available, gnomAD 0.007%). This variant has not been reported in the literature in individuals affected with CEBPA-related conditions. ClinVar contains an entry for this variant (Variation ID: 650392). Invitae Evidence Modeling of protein sequence and biophysical properties (such as structural, functional, and spatial information, amino acid conservation, physicochemical variation, residue mobility, and thermodynamic stability) indicates that this missense variant is expected to disrupt CEBPA protein function with a positive predictive value of 80%. Experimental studies are conflicting or provide insufficient evidence to determine the effect of this variant on CEBPA function (PMID: 27005833). In summary, the available evidence is currently insufficient to determine the role of this variant in disease. Therefore, it has been classified as a Variant of Uncertain Significance.

Ambry Genetics
Classification: Uncertain significance for Inborn genetic diseases. Last evaluated: 2025-04-16. Review status: criteria provided, single submitter. Criteria: Ambry Variant Classification Scheme 2023. Collection method: clinical testing. Allele origin: germline.
Comment: The p.K298Q variant (also known as c.892A>C), located in coding exon 1 of the CEBPA gene, results from an A to C substitution at nucleotide position 892. The lysine at codon 298 is replaced by glutamine, an amino acid with similar properties. This amino acid position is highly conserved in available vertebrate species. In addition, the in silico prediction for this alteration is inconclusive. Based on the available evidence, the clinical significance of this variant remains unclear.

Literature cited by the submitters: PubMed 27005833 (cited by Labcorp Genetics (formerly Invitae), Labcorp).

NM_004364.5(CEBPA):c.892A>C (p.Lys298Gln)

Gene: CEBPA (CCAAT enhancer binding protein alpha; minus strand). Cytogenetic location: 19q13.11.
Variant type: single nucleotide variant.
Coding change: c.892A>C on transcript NM_004364.5 (MANE Select); coding-DNA position 892, A replaced by C.
Protein change: p.Lys298Gln; replaces lysine 298 with glutamine.
Molecular consequence: missense variant.
Genome position (GRCh38, 1-based): chr19:33,301,523, T>G on the plus strand (A>C on the coding strand, the complement: CEBPA is on the minus strand). VCF-style: chr19-33301523-T-G. GRCh37 (hg19) VCF-style: chr19-33792429-T-G.
Other names: c.535A>C, p.Lys179Gln (NM_001285829.2); c.997A>C, p.Lys333Gln (NM_001287424.2); c.850A>C, p.Lys284Gln (NM_001287435.2); c.892A>C (NM_004364.3); short protein forms K284Q, K333Q, K179Q, K298Q.
Identifiers: ClinVar variation 650392 (VCV000650392.10), dbSNP rs1392203731, ClinGen allele CA405273988.